The following is an entry in ClinVar:

ClinVar aggregate classification (germline): Conflicting classifications of pathogenicity. Review status: criteria provided, conflicting classifications (1 of 4 stars). 2 submissions from 2 submitters: Uncertain significance (1); Likely benign (1). Last evaluated 2024-09-20.

Conditions:
Immunodeficiency 76. Identifiers: Orphanet 647804, MedGen C5543004, MONDO:0030898, OMIM 619164.

Allele frequency attached by ClinVar (database versions not stated): gnomAD exomes 0.00006; gnomAD 0.00044; TOPMed 0.00046; ESP Exome Variant Server 0.00077; 1000 Genomes Project 0.00180; 1000 Genomes Project 30x 0.00187.
gnomAD v4.1: 176 of 1,612,584 alleles (0.011%); highest among the groups gnomAD compares: African/African-American, 0.18%; no homozygotes.

Submissions (2):

3billion
Classification: Likely benign for Immunodeficiency 76. Last evaluated: 2024-09-20. Review status: criteria provided, single submitter. Criteria: ACMG Guidelines, 2015. Collection method: clinical testing. Allele origin: germline. Affected: no.
Comment: The homozygous variant was found in patients diagnosed with another variant in a different gene, with no symptoms related to the gene containing the homozygous variant.

Labcorp Genetics (formerly Invitae), Labcorp
Classification: Uncertain significance. Last evaluated: 2022-08-15. Review status: criteria provided, single submitter. Criteria: Invitae Variant Classification Sherloc (09022015). Collection method: clinical testing. Allele origin: germline.
Comment: This sequence change replaces valine, which is neutral and non-polar, with isoleucine, which is neutral and non-polar, at codon 801 of the FCHO1 protein (p.Val801Ile). This variant is present in population databases (rs139967668, gnomAD 0.2%). This variant has not been reported in the literature in individuals affected with FCHO1-related conditions. ClinVar contains an entry for this variant (Variation ID: 1498544). Algorithms developed to predict the effect of missense changes on protein structure and function output the following: SIFT: "Tolerated"; PolyPhen-2: "Benign"; Align-GVGD: "Class C0". The isoleucine amino acid residue is found in multiple mammalian species, which suggests that this missense change does not adversely affect protein function. In summary, the available evidence is currently insufficient to determine the role of this variant in disease. Therefore, it has been classified as a Variant of Uncertain Significance.

NM_015122.3(FCHO1):c.2401G>A (p.Val801Ile)

Gene: FCHO1 (FCH and mu domain containing endocytic adaptor 1; plus strand). Cytogenetic location: 19p13.11.
Variant type: single nucleotide variant.
Coding change: c.2401G>A on transcript NM_015122.3 (MANE Select); coding-DNA position 2401, G replaced by A.
Protein change: p.Val801Ile; replaces valine 801 with isoleucine.
Molecular consequence: missense variant. On other transcripts: non-coding transcript variant (35), intron variant (5).
Genome position (GRCh38, 1-based): chr19:17,784,899, G>A. VCF-style: chr19-17784899-G-A. GRCh37 (hg19) VCF-style: chr19-17895708-G-A.
Other names: c.2401G>A, p.Val801Ile (NM_001161357.2, NM_001161358.2, NM_001384370.1 and 11 more transcripts); c.2251G>A, p.Val751Ile (NM_001161359.2, NM_001384384.1, NM_001384385.1 and 1 more transcripts); c.2380G>A, p.Val794Ile (NM_001384387.1); c.2362G>A, p.Val788Ile (NM_001384388.1, NM_001384389.1); c.2326G>A, p.Val776Ile (NM_001384390.1); c.2284G>A, p.Val762Ile (NM_001384392.1, NM_001384393.1, NM_001384394.1 and 1 more transcripts); c.2125G>A, p.Val709Ile (NM_001384396.1, NM_001384397.1, NM_001384398.1 and 4 more transcripts); c.2080G>A, p.Val694Ile (NM_001384403.1); and 5 more; short protein forms V751I, V788I, V794I, V801I, V694I, V762I, V776I, V709I.
Identifiers: ClinVar variation 1498544 (VCV001498544.4), dbSNP rs139967668, ClinGen allele CA9300857.